The following is an entry in ClinVar:

ClinVar aggregate classification (germline): Uncertain significance (1 of 4 stars; one submission).

Conditions:
Autoinflammation-PLCG2-associated antibody deficiency-immune dysregulation. Also called: Autoinflammation, antibody deficiency, and immune dysregulation, plcg2-associated; AUTOINFLAMMATION, ANTIBODY DEFICIENCY, AND IMMUNE DYSREGULATION; Autoinflammation, antibody deficiency, and immune dysregulation syndrome. Identifiers: Orphanet 324530, MedGen C3553961, MONDO:0013944, OMIM 614878.
Familial cold autoinflammatory syndrome 3 (FCAS3). Also called: FAMILIAL ATYPICAL COLD URTICARIA; ANTIBODY DEFICIENCY AND IMMUNE DYSREGULATION, PLCG2-ASSOCIATED. Identifiers: Orphanet 300359, MedGen C3280914, MONDO:0013766, OMIM 614468.

gnomAD v4.1: 7 of 1,614,084 alleles (0.00043%); highest among the groups gnomAD compares: Non-Finnish European, 0.00059%; no homozygotes.

Submission:

Clinical Genomics Laboratory, Washington University in St. Louis
Classification: Uncertain significance for Familial cold autoinflammatory syndrome 3; Autoinflammation-PLCG2-associated antibody deficiency-immune dysregulation. Last evaluated: 2025-04-14. Review status: criteria provided, single submitter. Criteria: ACMG Guidelines, 2015. Collection method: clinical testing. Allele origin: germline.
Comment: The PLCG2 c.3164C>A (p.Ser1055Tyr) variant, to our knowledge, has not been reported in the medical literature. This variant is only observed on 1 out of 249,416 alleles in the general population (gnomAD v.2.1.1), indicating it is not a common variant. Computational predictors suggest that the variant does not impact PLCG2 function. Due to limited information, and based on ACMG/AMP guidelines for variant interpretation (Richards S et al., PMID: 25741868), the clinical significance of this variant is uncertain at this time.

NM_002661.5(PLCG2):c.3164C>A (p.Ser1055Tyr)

Gene: PLCG2 (phospholipase C gamma 2; plus strand). Cytogenetic location: 16q23.3.
Variant type: single nucleotide variant.
Coding change: c.3164C>A on transcript NM_002661.5 (MANE Select); coding-DNA position 3164, C replaced by A.
Protein change: p.Ser1055Tyr; replaces serine 1055 with tyrosine.
Molecular consequence: missense variant.
Genome position (GRCh38, 1-based): chr16:81,937,869, C>A. VCF-style: chr16-81937869-C-A. GRCh37 (hg19) VCF-style: chr16-81971474-C-A.
Other names: c.3164C>A, p.Ser1055Tyr (NM_001425749.1, NM_001425750.1, NM_001425751.1); short protein forms S1055Y.
Identifiers: ClinVar variation 4279739 (VCV004279739.1).
Genomic context (GRCh38, chr16:81,937,869, plus strand): 5'-GCTACGTTCTGCAGCCTGAGAGCATGAGGACAGAGAAATATGACCCGATGCCACCCGAGT[C>A]CCAGAGGAAGATCCTGATGACGCTGACAGTCAAGGTAAAGCCAGCCCTCCCTTCCTGCCA-3'
Protein context (NP_002652.2, residues 1045-1065): TEKYDPMPPE[Ser1055Tyr]QRKILMTLTV